The following is an entry in ClinVar:

NM_015450.3(POT1):c.1629_1632dup (p.Thr545fs)

Gene: POT1 (protection of telomeres 1; minus strand). Cytogenetic location: 7q31.33.
Variant type: Duplication.
Coding change: c.1629_1632dup on transcript NM_015450.3 (MANE Select); coding-DNA positions 1629 to 1632, 4 bases duplicated (TATG; older notation c.1629_1632dupTATG).
Protein change: p.Thr545fs; shifts the reading frame from threonine 545.
Molecular consequence: frameshift variant. On other transcripts: non-coding transcript variant (3).
Genome position (GRCh38, 1-based): chr7:124,827,268-124,827,271, CATA duplicated on the plus strand (TATG on the coding strand, the reverse complement: POT1 is on the minus strand). VCF-style (leftmost placement, unchanged base first): chr7-124827267-T-TCATA. GRCh37 (hg19) VCF-style: chr7-124467321-T-TCATA.
Other names: c.1236_1239dup, p.Thr414fs (NM_001042594.2); short protein forms T414fs, T545fs.
Identifiers: ClinVar variation 2846172 (VCV002846172.3), dbSNP rs2485345263, ClinGen allele CA2739278872.

ClinVar aggregate classification (germline): Pathogenic (1 of 4 stars; one submission).

Conditions:
Tumor predisposition syndrome 3 (TPDS3). Also called: LONG TELOMERE SYNDROME, POT1-RELATED; POT1 Tumor Predisposition; Melanoma, cutaneous malignant, susceptibility to, 10; Glioma susceptibility 9. Identifiers: Orphanet 618, MedGen C4014476, MONDO:0014368, OMIM 615848.

Submission:

Labcorp Genetics (formerly Invitae), Labcorp
Classification: Pathogenic for Tumor predisposition syndrome 3. Last evaluated: 2024-02-23. Review status: criteria provided, single submitter. Criteria: Invitae Variant Classification Sherloc (09022015). Collection method: clinical testing. Allele origin: germline.
Comment: This sequence change creates a premature translational stop signal (p.Thr545Tyrfs*6) in the POT1 gene. It is expected to result in an absent or disrupted protein product. Loss-of-function variants in POT1 are known to be pathogenic (PMID: 32155570). This variant is not present in population databases (gnomAD no frequency). This variant has not been reported in the literature in individuals affected with POT1-related conditions. For these reasons, this variant has been classified as Pathogenic.

Literature cited by the submitters: PubMed 32155570.